The following is an entry in ClinVar:

ClinVar aggregate classification (germline): Pathogenic (1 of 4 stars; one submission).

Submission:

Labcorp Genetics (formerly Invitae), Labcorp
Classification: Pathogenic. Last evaluated: 2023-05-22. Review status: criteria provided, single submitter. Criteria: Invitae Variant Classification Sherloc (09022015). Collection method: clinical testing. Allele origin: germline.
Comment: For these reasons, this variant has been classified as Pathogenic. This variant has not been reported in the literature in individuals affected with RUSC2-related conditions. This variant is not present in population databases (gnomAD no frequency). This sequence change creates a premature translational stop signal (p.Trp1121Glyfs*22) in the RUSC2 gene. It is expected to result in an absent or disrupted protein product. Loss-of-function variants in RUSC2 are known to be pathogenic (PMID: 27612186).

Literature cited by the submitters: PubMed 27612186.

NM_014806.5(RUSC2):c.3361del (p.Trp1121fs)

Gene: RUSC2 (RUN and SH3 domain containing 2; plus strand). Cytogenetic location: 9p13.3.
Variant type: Deletion.
Coding change: c.3361del on transcript NM_014806.5 (MANE Select); coding-DNA position 3361, one base deleted (T; older notation c.3361delT).
Protein change: p.Trp1121fs; shifts the reading frame from tryptophan 1121.
Molecular consequence: frameshift variant. On other transcripts: non-coding transcript variant (1).
Genome position (GRCh38, 1-based): chr9:35,559,245, T deleted. VCF-style (leftmost placement, unchanged base first): chr9-35559244-CT-C. GRCh37 (hg19) VCF-style: chr9-35559241-CT-C.
Other names: c.3361del, p.Trp1121fs (NM_001135999.2); c.727del, p.Trp243fs (NM_001330740.2); short protein forms W1121fs, W243fs.
Identifiers: ClinVar variation 2866801 (VCV002866801.3), dbSNP rs2490413005, ClinGen allele CA2579332156.
Genomic context (GRCh38, chr9:35,559,244, plus strand): 5'-TATTCACACAAGACTCAACTCTCTTCACCTGTCTCCCTACAGCATCCGGTCCCTGGAGTT[CT>C]GGTTTAATCACCTCTATAACCACGAAGGTAATGCCTAGAACCCTGCAGGTCAAACTCAAT-3'